The following is an entry in ClinVar:

ClinVar aggregate classification (germline): Uncertain significance. Review status: criteria provided, multiple submitters, no conflicts (2 of 4 stars). 2 submissions from 2 submitters: Uncertain significance (2). Last evaluated 2025-10-04.

Conditions:
Hereditary cancer-predisposing syndrome. Also called: Neoplastic Syndromes, Hereditary; Tumor predisposition; Hereditary neoplastic syndrome; Hereditary Cancer Syndrome. Identifiers: Orphanet 140162, MedGen C0027672, MeSH D009386, MONDO:0015356.

Allele frequency attached by ClinVar (database versions not stated): gnomAD exomes below 0.00001.

Submissions (2):

Labcorp Genetics (formerly Invitae), Labcorp
Classification: Uncertain significance. Last evaluated: 2025-10-04. Review status: criteria provided, single submitter. Criteria: Invitae Variant Classification Sherloc (09022015). Collection method: clinical testing. Allele origin: germline.
Comment: This sequence change replaces alanine, which is neutral and non-polar, with threonine, which is neutral and polar, at codon 141 of the HOXB13 protein (p.Ala141Thr). This variant is present in population databases (no rsID available, gnomAD 0.003%). This variant has not been reported in the literature in individuals affected with HOXB13-related conditions. ClinVar contains an entry for this variant (Variation ID: 824692). Invitae Evidence Modeling of protein sequence and biophysical properties (such as structural, functional, and spatial information, amino acid conservation, physicochemical variation, residue mobility, and thermodynamic stability) indicates that this missense variant is not expected to disrupt HOXB13 protein function with a negative predictive value of 80%. In summary, the available evidence is currently insufficient to determine the role of this variant in disease. Therefore, it has been classified as a Variant of Uncertain Significance.

Ambry Genetics
Classification: Uncertain significance for Hereditary cancer-predisposing syndrome. Last evaluated: 2025-06-10. Review status: criteria provided, single submitter. Criteria: Ambry Variant Classification Scheme 2023. Collection method: clinical testing. Allele origin: germline.
Comment: The p.A141T variant (also known as c.421G>A), located in coding exon 1 of the HOXB13 gene, results from a G to A substitution at nucleotide position 421. The alanine at codon 141 is replaced by threonine, an amino acid with similar properties. This amino acid position is well conserved in available vertebrate species. In addition, the in silico prediction for this alteration is inconclusive. Based on the available evidence, the clinical significance of this variant remains unclear.

NM_006361.6(HOXB13):c.421G>A (p.Ala141Thr)

Gene: HOXB13 (homeobox B13; minus strand). Cytogenetic location: 17q21.32.
Variant type: single nucleotide variant.
Coding change: c.421G>A on transcript NM_006361.6 (MANE Select); coding-DNA position 421, G replaced by A.
Protein change: p.Ala141Thr; replaces alanine 141 with threonine.
Molecular consequence: missense variant.
Genome position (GRCh38, 1-based): chr17:48,728,173, C>T on the plus strand (G>A on the coding strand, the complement: HOXB13 is on the minus strand). VCF-style: chr17-48728173-C-T. GRCh37 (hg19) VCF-style: chr17-46805535-C-T.
Other names: short protein forms A141T.
Identifiers: ClinVar variation 824692 (VCV000824692.8), dbSNP rs1405620801, ClinGen allele CA400107488.